The following is an entry in ClinVar:

ClinVar aggregate classification (germline): Benign/Likely benign. Review status: criteria provided, multiple submitters, no conflicts (2 of 4 stars). 2 submissions from 2 submitters: Benign (1); Likely benign (1). Last evaluated 2018-03-29.

Conditions:
Gaze palsy, familial horizontal, with progressive scoliosis 1 (HGPPS1). Identifiers: Orphanet 2744, MedGen C4551964, MONDO:0020790, OMIM 607313.

Allele frequency attached by ClinVar (database versions not stated): gnomAD exomes 0.00018 and 0.00055; ExAC 0.00072; gnomAD 0.00218 and 0.00232; ESP Exome Variant Server 0.00234; 1000 Genomes Project 0.00240; TOPMed 0.00245; 1000 Genomes Project 30x 0.00250.
gnomAD v4.1: 606 of 1,613,912 alleles (0.038%); highest among the groups gnomAD compares: African/African-American, 0.72%; 2 homozygotes.

Submissions (2):

Labcorp Genetics (formerly Invitae), Labcorp
Classification: Benign. Last evaluated: 2018-03-29. Review status: criteria provided, single submitter. Criteria: Invitae Variant Classification Sherloc (09022015). Collection method: clinical testing. Allele origin: germline.

Illumina Laboratory Services, Illumina
Classification: Likely benign for Gaze palsy, familial horizontal, with progressive scoliosis 1. Last evaluated: 2018-01-12. Review status: criteria provided, single submitter. Criteria: ICSL Variant Classification Criteria 13 December 2019. Collection method: clinical testing. Allele origin: germline.
Comment: This variant was observed in the ICSL laboratory as part of a predisposition screen in an ostensibly healthy population. It had not been previously curated by ICSL or reported in the Human Gene Mutation Database (HGMD: prior to June 1st, 2018), and was therefore a candidate for classification through an automated scoring system. Utilizing variant allele frequency, disease prevalence and penetrance estimates, and inheritance mode, an automated score was calculated to assess if this variant is too frequent to cause the disease. Based on the score and internal cut-off values, a variant classified as likely benign is not then subjected to further curation. The score for this variant resulted in a classification of likely benign for this disease.

NM_022370.4(ROBO3):c.1720C>T (p.Leu574=)

Gene: ROBO3 (roundabout guidance receptor 3; plus strand). Cytogenetic location: 11q24.2.
Variant type: single nucleotide variant.
Coding change: c.1720C>T on transcript NM_022370.4 (MANE Select); coding-DNA position 1720, C replaced by T.
Protein change: p.Leu574=; no amino-acid change (leucine 574 retained).
Molecular consequence: synonymous variant.
Genome position (GRCh38, 1-based): chr11:124,873,798, C>T. VCF-style: chr11-124873798-C-T. GRCh37 (hg19) VCF-style: chr11-124743694-C-T.
Identifiers: ClinVar variation 303243 (VCV000303243.8), dbSNP rs192962871, ClinGen allele CA6343574.